The following is an entry in ClinVar:

ClinVar aggregate classification (germline): Benign. Review status: criteria provided, multiple submitters, no conflicts (2 of 4 stars). 8 submissions from 7 submitters: Benign (8). Last evaluated 2026-02-04.

Conditions:
Junctional epidermolysis bullosa. Identifiers: Orphanet 305, MedGen C0079301, MONDO:0017612.
Junctional epidermolysis bullosa gravis of Herlitz. Also called: EPIDERMOLYSIS BULLOSA JUNCTIONALIS, HERLITZ TYPE; EPIDERMOLYSIS BULLOSA, JUNCTIONAL, HERLITZ-PEARSON TYPE; Epidermolysis Bullosa Letalis; JEB-HERLITZ TYPE; EPIDERMOLYSIS BULLOSA, JUNCTIONAL 1B, SEVERE; Herlitz-type junctional epidermolysis bullosa. Identifiers: Orphanet 79404, MedGen C0079683, MONDO:0009182, OMIM 226700.
Junctional epidermolysis bullosa, non-Herlitz type. Also called: EPIDERMOLYSIS BULLOSA JUNCTIONALIS, DISENTIS TYPE; EPIDERMOLYSIS BULLOSA JUNCTIONALIS, NON-HERLITZ TYPE; EPIDERMOLYSIS BULLOSA JUNCTIONALIS, PROGRESSIVE; EPIDERMOLYSIS BULLOSA JUNCTIONALIS, SEVERE NONLETHAL; COL17A1-Related Junctional Epidermolysis Bullosa; Adult junctional epidermolysis bullosa. Identifiers: Orphanet 251393, Orphanet 79402, Orphanet 79405, Orphanet 89840, MedGen C0268374, MONDO:0009180, OMIM 226650.

Allele frequency attached by ClinVar (database versions not stated): gnomAD 0.29544 and 0.29549; TOPMed 0.31204; 1000 Genomes Project 0.35503; 1000 Genomes Project 30x 0.36196; gnomAD exomes 0.21277 and 0.25823; ExAC 0.25890; ESP Exome Variant Server 0.28710.

Submissions (8):

Labcorp Genetics (formerly Invitae), Labcorp
Classification: Benign. Last evaluated: 2026-02-04. Review status: criteria provided, single submitter. Criteria: Invitae Variant Classification Sherloc (09022015). Collection method: clinical testing. Allele origin: germline.

Blueprint Genetics
Classification: Benign. Last evaluated: 2024-11-26. Review status: criteria provided, single submitter. Criteria: ACMG Guidelines, 2015. Collection method: clinical testing. Allele origin: germline.

GeneDx
Classification: Benign. Last evaluated: 2021-10-27. Review status: criteria provided, single submitter. Criteria: GeneDx Variant Classification Process June 2021. Collection method: clinical testing. Allele origin: germline. Affected: yes.
Comment: This variant is associated with the following publications: (PMID: 15370542)

Genome-Nilou Lab
Classification: Benign for Junctional epidermolysis bullosa gravis of Herlitz. Last evaluated: 2021-07-08. Review status: criteria provided, single submitter. Criteria: ACMG Guidelines, 2015. Collection method: clinical testing. Allele origin: germline. Affected: no.

Genome-Nilou Lab
Classification: Benign for Junctional epidermolysis bullosa, non-Herlitz type. Last evaluated: 2021-07-08. Review status: criteria provided, single submitter. Criteria: ACMG Guidelines, 2015. Collection method: clinical testing. Allele origin: germline. Affected: no.

Illumina Laboratory Services, Illumina
Classification: Benign for Junctional epidermolysis bullosa. Last evaluated: 2018-01-12. Review status: criteria provided, single submitter. Criteria: ICSL Variant Classification Criteria 13 December 2019. Collection method: clinical testing. Allele origin: germline.
Comment: This variant was observed in the ICSL laboratory as part of a predisposition screen in an ostensibly healthy population. It had not been previously curated by ICSL or reported in the Human Gene Mutation Database (HGMD: prior to June 1st, 2018), and was therefore a candidate for classification through an automated scoring system. Utilizing variant allele frequency, disease prevalence and penetrance estimates, and inheritance mode, an automated score was calculated to assess if this variant is too frequent to cause the disease. Based on the score and internal cut-off values, a variant classified as benign is not then subjected to further curation. The score for this variant resulted in a classification of benign for this disease.

Breakthrough Genomics
Classification: Benign. Review status: criteria provided, single submitter. Criteria: ACMG Guidelines, 2015. Collection method: not provided. Allele origin: germline. Inheritance: Autosomal recessive inheritance. Affected: yes.

PreventionGenetics, part of Exact Sciences
Classification: Benign. Review status: criteria provided, single submitter. Criteria: ACMG Guidelines, 2015. Collection method: clinical testing. Allele origin: germline.

NM_005562.3(LAMC2):c.798T>G (p.Gly266=)

Gene: LAMC2 (laminin subunit gamma 2; plus strand). Cytogenetic location: 1q25.3.
Variant type: single nucleotide variant.
Coding change: c.798T>G on transcript NM_005562.3 (MANE Select); coding-DNA position 798, T replaced by G.
Protein change: p.Gly266=; no amino-acid change (glycine 266 retained).
Molecular consequence: synonymous variant.
Genome position (GRCh38, 1-based): chr1:183,223,169, T>G. VCF-style: chr1-183223169-T-G. GRCh37 (hg19) VCF-style: chr1-183192304-T-G.
Other names: c.798T>G, p.Gly266= (NM_018891.3).
Identifiers: ClinVar variation 259790 (VCV000259790.20), dbSNP rs1047980, ClinGen allele CA1282440.